The following is an entry in ClinVar:

ClinVar aggregate classification (germline): Uncertain significance (1 of 4 stars; one submission).

gnomAD v4.1: 3 of 1,612,204 alleles (0.00019%); highest among the groups gnomAD compares: Admixed American, 0.0017%; no homozygotes.

Submission:

Labcorp Genetics (formerly Invitae), Labcorp
Classification: Uncertain significance. Last evaluated: 2022-10-16. Review status: criteria provided, single submitter. Criteria: Invitae Variant Classification Sherloc (09022015). Collection method: clinical testing. Allele origin: germline.
Comment: This variant has not been reported in the literature in individuals affected with ITGAM-related conditions. This sequence change replaces asparagine, which is neutral and polar, with lysine, which is basic and polar, at codon 469 of the ITGAM protein (p.Asn469Lys). This variant is not present in population databases (gnomAD no frequency). Algorithms developed to predict the effect of missense changes on protein structure and function are either unavailable or do not agree on the potential impact of this missense change (SIFT: "Deleterious"; PolyPhen-2: "Benign"; Align-GVGD: "Class C35"). In summary, the available evidence is currently insufficient to determine the role of this variant in disease. Therefore, it has been classified as a Variant of Uncertain Significance.

NM_000632.4(ITGAM):c.1407C>A (p.Asn469Lys)

Gene: ITGAM (integrin subunit alpha M; plus strand). Cytogenetic location: 16p11.2.
Variant type: single nucleotide variant.
Coding change: c.1407C>A on transcript NM_000632.4 (MANE Select); coding-DNA position 1407, C replaced by A.
Protein change: p.Asn469Lys; replaces asparagine 469 with lysine.
Molecular consequence: missense variant.
Genome position (GRCh38, 1-based): chr16:31,297,564, C>A. VCF-style: chr16-31297564-C-A. GRCh37 (hg19) VCF-style: chr16-31308885-C-A.
Other names: c.1407C>A, p.Asn469Lys (NM_001145808.2); short protein forms N469K.
Identifiers: ClinVar variation 1906229 (VCV001906229.5), dbSNP rs377233362, ClinGen allele CA395669304.